The following is an entry in ClinVar:

ClinVar aggregate classification (germline): Benign/Likely benign. Review status: criteria provided, multiple submitters, no conflicts (2 of 4 stars). 4 submissions from 4 submitters: Benign (2); Likely benign (1). 1 of the submissions does not count toward it. Last evaluated 2025-12-30.

Conditions:
IGSF10-related disorder. Also called: IGSF10-related condition.

Allele frequency attached by ClinVar (database versions not stated): gnomAD 0.00590 and 0.00583; gnomAD exomes 0.00623; ExAC 0.00647; ESP Exome Variant Server 0.00830; 1000 Genomes Project 30x 0.00172; 1000 Genomes Project 0.00180; TOPMed 0.00572.
gnomAD v4.1: 13,109 of 1,614,168 alleles (0.81%); highest among the groups gnomAD compares: Middle Eastern, 1.1%; 53 homozygotes.

Submissions (4):

Labcorp Genetics (formerly Invitae), Labcorp
Classification: Benign. Last evaluated: 2025-12-30. Review status: criteria provided, single submitter. Criteria: Invitae Variant Classification Sherloc (09022015). Collection method: clinical testing. Allele origin: germline.

CeGaT Center for Human Genetics Tuebingen
Classification: Likely benign. Last evaluated: 2025-08-01. Review status: criteria provided, single submitter. Criteria: CeGaT Center For Human Genetics Tuebingen Variant Classification Criteria Version 2. Collection method: clinical testing. Allele origin: germline. Affected: yes. Observed: 5 variant alleles.
Comment: IGSF10: BP4, BS2

Breakthrough Genomics
Classification: Benign. Review status: criteria provided, single submitter. Criteria: ACMG Guidelines, 2015. Collection method: not provided. Allele origin: germline. Inheritance: Unknown mechanism. Affected: yes.

PreventionGenetics, part of Exact Sciences
Classification: Benign for IGSF10-related condition. Last evaluated: 2019-03-13. Review status: no assertion criteria provided. Collection method: clinical testing. Allele origin: germline. Not counted in ClinVar's aggregate classification.
Comment: This variant is classified as benign based on ACMG/AMP sequence variant interpretation guidelines (Richards et al. 2015 PMID: 25741868, with internal and published modifications).

NM_178822.5(IGSF10):c.2852C>A (p.Thr951Lys)

Gene: IGSF10 (immunoglobulin superfamily member 10; minus strand). Cytogenetic location: 3q25.1.
Variant type: single nucleotide variant.
Coding change: c.2852C>A on transcript NM_178822.5 (MANE Select); coding-DNA position 2852, C replaced by A.
Protein change: p.Thr951Lys; replaces threonine 951 with lysine.
Molecular consequence: missense variant.
Genome position (GRCh38, 1-based): chr3:151,447,129, G>T on the plus strand (C>A on the coding strand, the complement: IGSF10 is on the minus strand). VCF-style: chr3-151447129-G-T. GRCh37 (hg19) VCF-style: chr3-151164917-G-T.
Other names: c.2852C>A, p.Thr951Lys (NM_001385060.1, NM_001385061.1, NM_001385062.1 and 1 more transcripts); c.2852C>A (NM_178822.4); short protein forms T951K.
Identifiers: ClinVar variation 1588233 (VCV001588233.37), dbSNP rs34197438, ClinGen allele CA2670279.
Genomic context (GRCh38, chr3:151,447,129, plus strand): 5'-GAATAGAAGTGATTGTGCCTGGGTTCACTCACTTCTCTTACAGATGTCTGATGACTATTT[G>T]TGGTATTTACTGACTCTAATAATAGTTTGTTGGTGGTGCTACTAAGCATTTTGACATTGA-3'
Protein context (NP_849144.2, residues 941-961): NKLLLESVNT[Thr951Lys]NSHQTSVREV